The following is an entry in ClinVar:

NM_002382.5(MAX):c.356A>G (p.Asp119Gly)

Gene: MAX (MYC associated transcriptional regulator X; minus strand). Cytogenetic location: 14q23.3.
Variant type: single nucleotide variant.
Coding change: c.356A>G on transcript NM_002382.5 (MANE Select); coding-DNA position 356, A replaced by G.
Protein change: p.Asp119Gly; replaces aspartic acid 119 with glycine.
Molecular consequence: missense variant. On other transcripts: 3 prime UTR variant (1), intron variant (2).
Genome position (GRCh38, 1-based): chr14:65,076,603, T>C on the plus strand (A>G on the coding strand, the complement: MAX is on the minus strand). VCF-style: chr14-65076603-T-C. GRCh37 (hg19) VCF-style: chr14-65543321-T-C.
Other names: c.167A>G, p.Asp56Gly (NM_001320415.2, NM_001407105.1, NM_001407106.1 and 1 more transcripts); c.356A>G, p.Asp119Gly (NM_001407094.1); c.329A>G, p.Asp110Gly (NM_001407095.1, NM_145112.3); c.*129A>G (NM_001407096.1, NM_001407099.1, NM_001407102.1 and 2 more transcripts); c.*145A>G (NM_001407097.1, NM_001407100.1, NM_001407101.1 and 4 more transcripts); c.248A>G, p.Asp83Gly (NM_001407098.1); c.155A>G, p.Asp52Gly (NM_001407111.1, NM_001407112.1); c.144+17105A>G (NM_001271069.2); and 1 more; short protein forms D110G, D119G, D52G, D56G, D83G.
Identifiers: ClinVar variation 1714657 (VCV001714657.5), dbSNP rs2504174996, ClinGen allele CA390031802.

ClinVar aggregate classification (germline): Uncertain significance (1 of 4 stars; one submission).

Conditions:
Hereditary pheochromocytoma and paraganglioma. Also called: Hereditary pheochromocytoma-paraganglioma; Hereditary paragangliomas and pheochromocytomas; Hereditary Paraganglioma-Pheochromocytoma Syndromes. Identifiers: Orphanet 29072, MedGen C4274332, MONDO:0017366.

Submission:

Labcorp Genetics (formerly Invitae), Labcorp
Classification: Uncertain significance for Hereditary pheochromocytoma and paraganglioma. Last evaluated: 2025-07-31. Review status: criteria provided, single submitter. Criteria: Invitae Variant Classification Sherloc (09022015). Collection method: clinical testing. Allele origin: germline.
Comment: This sequence change replaces aspartic acid, which is acidic and polar, with glycine, which is neutral and non-polar, at codon 119 of the MAX protein (p.Asp119Gly). This variant is not present in population databases (gnomAD no frequency). This variant has not been reported in the literature in individuals affected with MAX-related conditions. ClinVar contains an entry for this variant (Variation ID: 1714657). An algorithm developed to predict the effect of missense changes on protein structure and function (PolyPhen-2) suggests that this variant is likely to be tolerated. In summary, the available evidence is currently insufficient to determine the role of this variant in disease. Therefore, it has been classified as a Variant of Uncertain Significance.